The following is an entry in ClinVar:

ClinVar aggregate classification (germline): Pathogenic (1 of 4 stars; one submission).

Conditions:
Primary ciliary dyskinesia 3. Identifiers: Orphanet 244, MedGen C1837618, MONDO:0012085, OMIM 608644.

Submission:

Myriad Genetics, Inc.
Classification: Pathogenic for Primary ciliary dyskinesia 3. Last evaluated: 2025-05-03. Review status: criteria provided, single submitter. Criteria: Myriad Autosomal Dominant, Autosomal Recessive and X-Linked Classification Criteria (2023). Collection method: clinical testing. Allele origin: unknown.
Comment: NM_001369.2(DNAH5):c.1420G>T(E474*) is expected to be pathogenic in the context of primary ciliary dyskinesia, DNAH5-related. This variant is predicted to lead to an abnormal or absent protein product due to the creation of a premature termination codon in DNAH5, a gene where loss-of-function variants are known to be pathogenic. Please note: this variant was assessed in the context of healthy population screening.

NM_001369.3(DNAH5):c.1420G>T (p.Glu474Ter)

Gene: DNAH5 (dynein axonemal heavy chain 5; minus strand). Cytogenetic location: 5p15.2.
Variant type: single nucleotide variant.
Coding change: c.1420G>T on transcript NM_001369.3 (MANE Select); coding-DNA position 1420, G replaced by T.
Protein change: p.Glu474Ter; replaces glutamic acid 474 with a stop codon.
Molecular consequence: nonsense.
Genome position (GRCh38, 1-based): chr5:13,913,859, C>A on the plus strand (G>T on the coding strand, the complement: DNAH5 is on the minus strand). VCF-style: chr5-13913859-C-A. GRCh37 (hg19) VCF-style: chr5-13913968-C-A.
Other names: short protein forms E474*.
Identifiers: ClinVar variation 5014370 (VCV005014370.1).